The following is an entry in ClinVar:

ClinVar aggregate classification (germline): Uncertain significance. Review status: criteria provided, multiple submitters, no conflicts (2 of 4 stars). 2 submissions from 2 submitters: Uncertain significance (2). Last evaluated 2025-09-07.

Conditions:
Thrombomodulin-related bleeding disorder (THPH12). Also called: Thrombophilia due to thrombomodulin defect. Identifiers: Orphanet 436169, MedGen C3280976, MONDO:0013775, OMIM 614486.
Atypical hemolytic-uremic syndrome with thrombomodulin anomaly. Also called: HEMOLYTIC UREMIC SYNDROME, ATYPICAL, SUSCEPTIBILITY TO, 6; AHUS, SUSCEPTIBILITY TO, 6. Identifiers: MedGen C2752036, MONDO:0013044, OMIM 612926. Disease mechanism: gain of function.

Allele frequency attached by ClinVar (database versions not stated): gnomAD 0.00002 and 0.00003; TOPMed 0.00003.

Submissions (2):

Labcorp Genetics (formerly Invitae), Labcorp
Classification: Uncertain significance. Last evaluated: 2025-09-07. Review status: criteria provided, single submitter. Criteria: Invitae Variant Classification Sherloc (09022015). Collection method: clinical testing. Allele origin: germline.
Comment: This sequence change replaces histidine, which is basic and polar, with glutamine, which is neutral and polar, at codon 538 of the THBD protein (p.His538Gln). This variant is present in population databases (no rsID available, gnomAD 0.02%). This variant has not been reported in the literature in individuals affected with THBD-related conditions. ClinVar contains an entry for this variant (Variation ID: 1466387). Invitae Evidence Modeling of protein sequence and biophysical properties (such as structural, functional, and spatial information, amino acid conservation, physicochemical variation, residue mobility, and thermodynamic stability) indicates that this missense variant is expected to disrupt THBD protein function with a positive predictive value of 80%. In summary, the available evidence is currently insufficient to determine the role of this variant in disease. Therefore, it has been classified as a Variant of Uncertain Significance.

Fulgent Genetics
Classification: Uncertain significance for Atypical hemolytic-uremic syndrome with thrombomodulin anomaly; Thrombomodulin-related bleeding disorder. Last evaluated: 2024-05-10. Review status: criteria provided, single submitter. Criteria: ACMG Guidelines, 2015. Collection method: clinical testing. Allele origin: germline.

NM_000361.3(THBD):c.1614C>A (p.His538Gln)

Gene: THBD (thrombomodulin; minus strand). Cytogenetic location: 20p11.21.
Variant type: single nucleotide variant.
Coding change: c.1614C>A on transcript NM_000361.3 (MANE Select); coding-DNA position 1614, C replaced by A.
Protein change: p.His538Gln; replaces histidine 538 with glutamine.
Molecular consequence: missense variant.
Genome position (GRCh38, 1-based): chr20:23,047,891, G>T on the plus strand (C>A on the coding strand, the complement: THBD is on the minus strand). VCF-style: chr20-23047891-G-T. GRCh37 (hg19) VCF-style: chr20-23028528-G-T.
Other names: short protein forms H538Q.
Identifiers: ClinVar variation 1466387 (VCV001466387.10), dbSNP rs1436540579, ClinGen allele CA408405173.